The following is an entry in ClinVar:

ClinVar aggregate classification (germline): Uncertain significance (1 of 4 stars; one submission).

Conditions:
Inborn genetic diseases. Identifiers: MedGen C0950123, MeSH D030342.

Submission:

Ambry Genetics
Classification: Uncertain significance for Inborn genetic diseases. Last evaluated: 2022-09-03. Review status: criteria provided, single submitter. Criteria: Ambry Variant Classification Scheme 2023. Collection method: clinical testing. Allele origin: germline.
Comment: The p.T214M variant (also known as c.641C>T), located in coding exon 4 of the ACD gene, results from a C to T substitution at nucleotide position 641. The threonine at codon 214 is replaced by methionine, an amino acid with similar properties. This amino acid position is conserved. In addition, this alteration is predicted to be tolerated by in silico analysis. Since supporting evidence is limited at this time, the clinical significance of this alteration remains unclear.

NM_001082486.2(ACD):c.383C>T (p.Thr128Met)

Gene: ACD (ACD shelterin complex subunit and telomerase recruitment factor; minus strand). Cytogenetic location: 16q22.1.
Variant type: single nucleotide variant.
Coding change: c.383C>T on transcript NM_001082486.2 (MANE Select); coding-DNA position 383, C replaced by T.
Protein change: p.Thr128Met; replaces threonine 128 with methionine.
Molecular consequence: missense variant.
Genome position (GRCh38, 1-based): chr16:67,659,567, G>A on the plus strand (C>T on the coding strand, the complement: ACD is on the minus strand). VCF-style: chr16-67659567-G-A. GRCh37 (hg19) VCF-style: chr16-67693470-G-A.
Other names: c.383C>T, p.Thr128Met (NM_001410884.1); c.374C>T, p.Thr125Met (NM_022914.3); short protein forms T128M, T125M.
Identifiers: ClinVar variation 1753425 (VCV001753425.2), dbSNP rs2543607977, ClinGen allele CA396355333.